The following is an entry in ClinVar:

ClinVar aggregate classification (germline): Uncertain significance. Review status: criteria provided, multiple submitters, no conflicts (2 of 4 stars). 2 submissions from 2 submitters: Uncertain significance (2). Last evaluated 2024-07-05.

Allele frequency attached by ClinVar (database versions not stated): gnomAD 0.00003; gnomAD exomes 0.00004; TOPMed 0.00007.
gnomAD v4.1: 70 of 1,514,190 alleles (0.0046%); highest among the groups gnomAD compares: East Asian, 0.007%; no homozygotes.

Submissions (2):

Blueprint Genetics
Classification: Uncertain significance. Last evaluated: 2024-07-05. Review status: criteria provided, single submitter. Criteria: ACMG Guidelines, 2015. Collection method: clinical testing. Allele origin: germline.

Labcorp Genetics (formerly Invitae), Labcorp
Classification: Uncertain significance. Last evaluated: 2022-03-19. Review status: criteria provided, single submitter. Criteria: Invitae Variant Classification Sherloc (09022015). Collection method: clinical testing. Allele origin: germline.
Comment: This sequence change replaces arginine, which is basic and polar, with histidine, which is basic and polar, at codon 795 of the MAP3K20 protein (p.Arg795His). The frequency data for this variant in the population databases is considered unreliable, as metrics indicate poor data quality at this position in the gnomAD database. This variant has not been reported in the literature in individuals affected with MAP3K20-related conditions. Experimental studies and prediction algorithms are not available or were not evaluated, and the functional significance of this variant is currently unknown. In summary, the available evidence is currently insufficient to determine the role of this variant in disease. Therefore, it has been classified as a Variant of Uncertain Significance.

NM_016653.3(MAP3K20):c.2384G>A (p.Arg795His)

Genes: MAP3K20 (mitogen-activated protein kinase kinase kinase 20; plus strand), MAP3K20-AS1 (MAP3K20 antisense RNA 1; minus strand). Cytogenetic location: 2q31.1.
Variant type: single nucleotide variant.
Coding change: c.2384G>A on transcript NM_016653.3 (MANE Select); coding-DNA position 2384, G replaced by A.
Protein change: p.Arg795His; replaces arginine 795 with histidine.
Molecular consequence: missense variant.
Genome position (GRCh38, 1-based): chr2:173,266,731, G>A. VCF-style: chr2-173266731-G-A. GRCh37 (hg19) VCF-style: chr2-174131459-G-A.
Other names: short protein forms R795H.
Identifiers: ClinVar variation 2046804 (VCV002046804.2), dbSNP rs761040219, ClinGen allele CA1971092.
Genomic context (GRCh38, chr2:173,266,731, plus strand): 5'-AAAAGCCCCACAGGCCATCTCCCGCCAAAACCAATAAAGAGAGAGCCAGAGGGGACCACC[G>A]TGGATGGAGAAACTTTTGATGAATTGAACTACATAGCTTTTCTAAGCAGGTTAAAAAAAA-3'
Protein context (NP_057737.2, residues 785-800): TNKERARGDH[Arg795His]GWRNF